The following is an entry in ClinVar:

NM_001174089.2(SLC4A11):c.2328G>A (p.Ala776=)

Gene: SLC4A11 (solute carrier family 4 member 11; minus strand). Cytogenetic location: 20p13.
Variant type: single nucleotide variant.
Coding change: c.2328G>A on transcript NM_001174089.2 (MANE Select); coding-DNA position 2328, G replaced by A.
Protein change: p.Ala776=; no amino-acid change (alanine 776 retained).
Molecular consequence: synonymous variant. On other transcripts: non-coding transcript variant (1).
Genome position (GRCh38, 1-based): chr20:3,228,572, C>T on the plus strand (G>A on the coding strand, the complement: SLC4A11 is on the minus strand). VCF-style: chr20-3228572-C-T. GRCh37 (hg19) VCF-style: chr20-3209218-C-T.
Other names: c.2457G>A, p.Ala819= (NM_001174090.2); c.2214G>A, p.Ala738= (NM_001363745.2); c.2376G>A, p.Ala792= (NM_032034.4); c.2376G>A (NM_032034.3).
Identifiers: ClinVar variation 1144845 (VCV001144845.10), dbSNP rs201769127, ClinGen allele CA310985271.
Genomic context (GRCh38, chr20:3,228,572, plus strand): 5'-CTGCTCCTTGAGCAGCAGGGCCACGCGCTGGACGAGCTGGTTGCCATCGAGGGAGGTGAG[C>T]GCGATGTAGAGGAAGAGGCCATAGAGCACGGGCTTGGGGATCCACTGAAGCGGGACCGGC-3'
Protein context (NP_001167560.1, residues 766-786): PVLYGLFLYI[Ala776=]LTSLDGNQLV

ClinVar aggregate classification (germline): Likely benign. Review status: criteria provided, multiple submitters, no conflicts (2 of 4 stars). 2 submissions from 2 submitters: Likely benign (2). Last evaluated 2026-07-23.

Conditions:
SLC4A11-related disorder. Also called: SLC4A11-related condition.

Allele frequency attached by ClinVar (database versions not stated): gnomAD 0.00001.
gnomAD v4.1: 9 of 1,613,098 alleles (0.00056%); highest among the groups gnomAD compares: East Asian, 0.0022%; no homozygotes.

Submissions (2):

PreventionGenetics, part of Exact Sciences
Classification: Likely benign for SLC4A11-related condition. Last evaluated: 2026-07-23. Review status: criteria provided, single submitter. Criteria: ACMG Guidelines, 2015. Collection method: clinical testing. Allele origin: germline.
Comment: This variant is classified as likely benign based on ACMG/AMP sequence variant interpretation guidelines (Richards et al. 2015 PMID: 25741868, with internal and published modifications).

Labcorp Genetics (formerly Invitae), Labcorp
Classification: Likely benign. Last evaluated: 2025-10-02. Review status: criteria provided, single submitter. Criteria: Invitae Variant Classification Sherloc (09022015). Collection method: clinical testing. Allele origin: germline.